The following is an entry in ClinVar:

NM_000038.6(APC):c.3860_3872dup (p.Gln1291delinsHisArgMetTer)

Gene: APC (APC regulator of Wnt signaling pathway; plus strand). Cytogenetic location: 5q22.2.
Variant type: Duplication.
Coding change: c.3860_3872dup on transcript NM_000038.6 (MANE Select); coding-DNA positions 3860 to 3872, 13 bases duplicated (TAGGATGTAATCA).
Protein change: p.Gln1291delinsHisArgMetTer.
Molecular consequence: nonsense.
Genome position (GRCh38, 1-based): chr5:112,839,454-112,839,466, TAGGATGTAATCA duplicated; duplicating any 13 consecutive bases within chr5:112,839,453-112,839,466 gives the same sequence; the c. name uses the placement nearest the transcript's 3' end. VCF-style (leftmost placement, unchanged base first): chr5-112839452-A-AATAGGATGTAATC. GRCh37 (hg19) VCF-style: chr5-112175149-A-AATAGGATGTAATC.
Other names: c.3860_3872dup, p.Gln1291delinsHisArgMetTer (NM_001127510.3, NM_001354895.2); c.3806_3818dup, p.Gln1273delinsHisArgMetTer (NM_001127511.3); c.3914_3926dup, p.Gln1309delinsHisArgMetTer (NM_001354896.2); c.3890_3902dup, p.Gln1301delinsHisArgMetTer (NM_001354897.2); c.3785_3797dup, p.Gln1266delinsHisArgMetTer (NM_001354898.2); c.3776_3788dup, p.Gln1263delinsHisArgMetTer (NM_001354899.2); c.3737_3749dup, p.Gln1250delinsHisArgMetTer (NM_001354900.2); c.3683_3695dup, p.Gln1232delinsHisArgMetTer (NM_001354901.2); and 5 more.
Identifiers: ClinVar variation 648912 (VCV000648912.10), dbSNP rs1580640872, ClinGen allele CA915943484.

ClinVar aggregate classification (germline): Pathogenic (1 of 4 stars; one submission).

Conditions:
Familial adenomatous polyposis 1 (FAP1). Also called: FAMILIAL ADENOMATOUS POLYPOSIS 1, ATTENUATED; POLYPOSIS, ADENOMATOUS INTESTINAL. Identifiers: MedGen C2713442, MONDO:0021056, OMIM 175100. Disease mechanism: loss of function.

Submission:

Labcorp Genetics (formerly Invitae), Labcorp
Classification: Pathogenic for Familial adenomatous polyposis 1. Last evaluated: 2023-09-29. Review status: criteria provided, single submitter. Criteria: Invitae Variant Classification Sherloc (09022015). Collection method: clinical testing. Allele origin: germline.
Comment: A different truncation (p.Tyr2645Lysfs*14) that lies downstream of this variant has been determined to be pathogenic (PMID: 9824584, 1316610, 27081525, 8381579, 22135120, Invitae). This suggests that deletion of this region of the APC protein is causative of disease. For these reasons, this variant has been classified as Pathogenic. This variant is expected to disrupt the EB1 and HDLG binding sites, which mediate interactions with the cytoskeleton (PMID: 15311282, 17293347). While functional studies have not been performed to directly test the effect on APC protein function, this suggests that disruption of the C-terminal portion of the protein is functionally important. This sequence change creates a premature translational stop signal (p.Gln1291Hisfs*4) in the APC gene. While this is not anticipated to result in nonsense mediated decay, it is expected to disrupt the last 1553 amino acid(s) of the APC protein. This variant is not present in population databases (gnomAD no frequency). This variant has not been reported in the literature in individuals affected with APC-related conditions. ClinVar contains an entry for this variant (Variation ID: 648912).

Literature cited by the submitters: PubMed 9824584; PubMed 1316610; PubMed 27081525; PubMed 8381579; PubMed 22135120; PubMed 15311282; PubMed 17293347.